The following is an entry in ClinVar:

ClinVar aggregate classification (germline): Uncertain significance. Review status: criteria provided, multiple submitters, no conflicts (2 of 4 stars). 2 submissions from 2 submitters: Uncertain significance (2). Last evaluated 2026-01-05.

Allele frequency attached by ClinVar (database versions not stated): gnomAD 0.00002; TOPMed 0.00002; gnomAD exomes 0.00006; ExAC 0.00008.
gnomAD v4.1: 84 of 1,614,016 alleles (0.0052%); highest among the groups gnomAD compares: South Asian, 0.082%; 1 homozygote.

Submissions (2):

Labcorp Genetics (formerly Invitae), Labcorp
Classification: Uncertain significance. Last evaluated: 2026-01-05. Review status: criteria provided, single submitter. Criteria: Invitae Variant Classification Sherloc (09022015). Collection method: clinical testing. Allele origin: germline.
Comment: This sequence change replaces proline, which is neutral and non-polar, with leucine, which is neutral and non-polar, at codon 2396 of the FBN3 protein (p.Pro2396Leu). This variant is present in population databases (rs372328082, gnomAD 0.07%), and has an allele count higher than expected for a pathogenic variant. This variant has not been reported in the literature in individuals affected with FBN3-related conditions. ClinVar contains an entry for this variant (Variation ID: 2515406). Invitae Evidence Modeling of protein sequence and biophysical properties (such as structural, functional, and spatial information, amino acid conservation, physicochemical variation, residue mobility, and thermodynamic stability) indicates that this missense variant is not expected to disrupt FBN3 protein function with a negative predictive value of 80%. In summary, the available evidence is currently insufficient to determine the role of this variant in disease. Therefore, it has been classified as a Variant of Uncertain Significance.

Ambry Genetics
Classification: Uncertain significance. Last evaluated: 2023-05-18. Review status: criteria provided, single submitter. Criteria: Ambry Variant Classification Scheme 2023. Collection method: clinical testing. Allele origin: germline.

NM_032447.5(FBN3):c.7187C>T (p.Pro2396Leu)

Gene: FBN3 (fibrillin 3; minus strand). Cytogenetic location: 19p13.2.
Variant type: single nucleotide variant.
Coding change: c.7187C>T on transcript NM_032447.5 (MANE Select); coding-DNA position 7187, C replaced by T.
Protein change: p.Pro2396Leu; replaces proline 2396 with leucine.
Molecular consequence: missense variant.
Genome position (GRCh38, 1-based): chr19:8,083,273, G>A on the plus strand (C>T on the coding strand, the complement: FBN3 is on the minus strand). VCF-style: chr19-8083273-G-A. GRCh37 (hg19) VCF-style: chr19-8148157-G-A.
Other names: c.7187C>T, p.Pro2396Leu (NM_001321431.2); short protein forms P2396L.
Identifiers: ClinVar variation 2515406 (VCV002515406.5), dbSNP rs372328082, ClinGen allele CA9150973.